The following is an entry in ClinVar:

NM_002458.3(MUC5B):c.9954C>T (p.Ala3318=)

Genes: MUC5B (mucin 5B, oligomeric mucus/gel-forming; plus strand), MUC5B-AS1 (MUC5B antisense RNA 1; minus strand). Cytogenetic location: 11p15.5.
Variant type: single nucleotide variant.
Coding change: c.9954C>T on transcript NM_002458.3 (MANE Select); coding-DNA position 9954, C replaced by T.
Protein change: p.Ala3318=; no amino-acid change (alanine 3318 retained).
Molecular consequence: synonymous variant.
Genome position (GRCh38, 1-based): chr11:1,246,834, C>T. VCF-style: chr11-1246834-C-T. GRCh37 (hg19) VCF-style: chr11-1268064-C-T.
Identifiers: ClinVar variation 403160 (VCV000403160.7), dbSNP rs200948102, ClinGen allele CA5807195.

ClinVar aggregate classification (germline): Benign. Review status: criteria provided, multiple submitters, no conflicts (2 of 4 stars). 3 submissions from 3 submitters: Benign (3). Last evaluated 2018-11-12.

Allele frequency attached by ClinVar (database versions not stated): gnomAD 0.26294 and 0.26494; ExAC 0.28078; 1000 Genomes Project 30x 0.28998; gnomAD exomes 0.29058 and 0.31099; 1000 Genomes Project 0.32668.
gnomAD v4.1: 490,049 of 1,597,310 alleles (31%); highest among the groups gnomAD compares: East Asian, 56%; 76,034 homozygotes.

Submissions (3):

GeneDx
Classification: Benign. Last evaluated: 2018-11-12. Review status: criteria provided, single submitter. Criteria: GeneDx Variant Classification Process June 2021. Collection method: clinical testing. Allele origin: germline. Affected: yes.

Laboratory for Molecular Medicine, Mass General Brigham Personalized Medicine
Classification: Benign. Last evaluated: 2016-03-28. Review status: criteria provided, single submitter. Criteria: LMM Criteria. Collection method: clinical testing. Allele origin: germline.
Comment: Variant identified in a genome or exome case(s) and assessed due to predicted null impact of the variant or pathogenic assertions in the literature or databases. Disclaimer: This variant has not undergone full assessment. The following are preliminary notes: Frequency

Breakthrough Genomics
Classification: Benign. Review status: criteria provided, single submitter. Criteria: ACMG Guidelines, 2015. Collection method: not provided. Allele origin: germline. Inheritance: Autosomal dominant inheritance. Affected: yes.